The following is an entry in ClinVar:

ClinVar aggregate classification (germline): Conflicting classifications of pathogenicity. Review status: criteria provided, conflicting classifications (1 of 4 stars). 3 submissions from 3 submitters: Uncertain significance (1); Likely benign (2). Last evaluated 2026-07-01.

Allele frequency attached by ClinVar (database versions not stated): ExAC 0.00070; gnomAD 0.00152 and 0.00156; ESP Exome Variant Server 0.00165; 1000 Genomes Project 0.00180; TOPMed 0.00183; 1000 Genomes Project 30x 0.00203.
gnomAD v4.1: 681 of 1,613,692 alleles (0.042%); highest among the groups gnomAD compares: African/African-American, 0.46%; 2 homozygotes.

Submissions (3):

CeGaT Center for Human Genetics Tuebingen
Classification: Likely benign. Last evaluated: 2026-07-01. Review status: criteria provided, single submitter. Criteria: CeGaT Center For Human Genetics Tuebingen Variant Classification Criteria Version 2. Collection method: clinical testing. Allele origin: germline. Affected: yes. Observed: 2 variant alleles.
Comment: KDM5A: BS2

Ambry Genetics
Classification: Uncertain significance. Last evaluated: 2025-10-06. Review status: criteria provided, single submitter. Criteria: Ambry Variant Classification Scheme 2023. Collection method: clinical testing. Allele origin: germline.

Labcorp Genetics (formerly Invitae), Labcorp
Classification: Likely benign. Last evaluated: 2018-04-04. Review status: criteria provided, single submitter. Criteria: Invitae Variant Classification Sherloc (09022015). Collection method: clinical testing. Allele origin: germline.

NM_001042603.3(KDM5A):c.983C>T (p.Pro328Leu)

Gene: KDM5A (lysine demethylase 5A; minus strand). Cytogenetic location: 12p13.33.
Variant type: single nucleotide variant.
Coding change: c.983C>T on transcript NM_001042603.3 (MANE Select); coding-DNA position 983, C replaced by T.
Protein change: p.Pro328Leu; replaces proline 328 with leucine.
Molecular consequence: missense variant.
Genome position (GRCh38, 1-based): chr12:354,122, G>A on the plus strand (C>T on the coding strand, the complement: KDM5A is on the minus strand). VCF-style: chr12-354122-G-A. GRCh37 (hg19) VCF-style: chr12-463288-G-A.
Other names: c.983C>T (NM_001042603.1); short protein forms P328L.
Identifiers: ClinVar variation 734176 (VCV000734176.11), dbSNP rs201963528, ClinGen allele CA6379468.